The following is an entry in ClinVar:

ClinVar aggregate classification (germline): Conflicting classifications of pathogenicity. Review status: criteria provided, conflicting classifications (1 of 4 stars). 3 submissions from 3 submitters: Uncertain significance (2); Likely benign (1). Last evaluated 2026-02-18.

Conditions:
Sweeney-Cox syndrome. Identifiers: MedGen C4540299, MONDO:0060592, OMIM 617746.
TWIST1-related craniosynostosis (CRS1). Also called: CRANIOSYNOSTOSIS 1. Identifiers: Orphanet 63440, MedGen C4551902, MONDO:0007399, OMIM 123100. Inheritance: Heterogenous inheritance pattern.
Saethre-Chotzen syndrome (SCS). Also called: ACROCEPHALY, SKULL ASYMMETRY, AND MILD SYNDACTYLY; ACS III; CHOTZEN SYNDROME. Identifiers: Orphanet 794, MedGen C0175699, MONDO:0007042, OMIM 101400.

Allele frequency attached by ClinVar (database versions not stated): gnomAD exomes below 0.00001.

Submissions (3):

Women's Health and Genetics/Laboratory Corporation of America, LabCorp
Classification: Uncertain significance. Last evaluated: 2026-02-18. Review status: criteria provided, single submitter. Criteria: LabCorp Variant Classification Summary - May 2015. Collection method: clinical testing. Allele origin: germline.
Comment: Variant summary: TWIST1 c.161G>T (p.Gly54Val) results in a non-conservative amino acid change in the encoded protein sequence. Algorithms developed to predict the effect of missense changes on protein structure and function are either unavailable or do not agree on the potential impact of this missense change. The frequency data for this variant in gnomAD is considered unreliable, as metrics indicate poor data quality at this position. To our knowledge, no occurrence of c.161G>T in individuals affected with TWIST1-related conditions and no experimental evidence demonstrating its impact on protein function have been reported. ClinVar contains an entry for this variant (Variation ID: 1431451). Based on the evidence outlined above, the variant was classified as uncertain significance.

Genomic Medicine Center of Excellence, King Faisal Specialist Hospital and Research Centre
Classification: Likely benign for Sweeney-Cox syndrome. Last evaluated: 2024-03-25. Review status: criteria provided, single submitter. Criteria: ACMG Guidelines, 2015. Collection method: research. Allele origin: germline.

Labcorp Genetics (formerly Invitae), Labcorp
Classification: Uncertain significance for TWIST1-related craniosynostosis; Saethre-Chotzen syndrome. Last evaluated: 2024-02-18. Review status: criteria provided, single submitter. Criteria: Invitae Variant Classification Sherloc (09022015). Collection method: clinical testing. Allele origin: germline.
Comment: This sequence change replaces glycine, which is neutral and non-polar, with valine, which is neutral and non-polar, at codon 54 of the TWIST1 protein (p.Gly54Val). This variant is not present in population databases (gnomAD no frequency). This variant has not been reported in the literature in individuals affected with TWIST1-related conditions. ClinVar contains an entry for this variant (Variation ID: 1431451). Experimental studies and prediction algorithms are not available or were not evaluated, and the functional significance of this variant is currently unknown. In summary, the available evidence is currently insufficient to determine the role of this variant in disease. Therefore, it has been classified as a Variant of Uncertain Significance.

NM_000474.4(TWIST1):c.161G>T (p.Gly54Val)

Gene: TWIST1 (twist family bHLH transcription factor 1; minus strand). Cytogenetic location: 7p21.1.
Variant type: single nucleotide variant.
Coding change: c.161G>T on transcript NM_000474.4 (MANE Select); coding-DNA position 161, G replaced by T.
Protein change: p.Gly54Val; replaces glycine 54 with valine.
Molecular consequence: missense variant. On other transcripts: non-coding transcript variant (1).
Genome position (GRCh38, 1-based): chr7:19,117,161, C>A on the plus strand (G>T on the coding strand, the complement: TWIST1 is on the minus strand). VCF-style: chr7-19117161-C-A. GRCh37 (hg19) VCF-style: chr7-19156784-C-A.
Other names: short protein forms G54V.
Identifiers: ClinVar variation 1431451 (VCV001431451.9), dbSNP rs1788590971, ClinGen allele CA367016017.